The following is an entry in ClinVar:

ClinVar aggregate classification (germline): Likely pathogenic (1 of 4 stars; one submission).

Conditions:
Cobalamin C disease. Also called: methylmalonic aciduria and homocystinuria type cblC; Methylmalonic aciduria with homocystinuria cblC type; Methylmalonic aciduria and homocystinuria, Vitamin B12-responsive; Vitamin B12 metabolic defect with combined deficiency of methylmalonyl-CoA mutase and homocysteine:methyltetrahydrofolate methyltransferase; Cobalamin-C methylmalonic acidemia and homocystinuria; Methylmalonic acidemia and homocystinuria cblC type. Identifiers: Orphanet 26, Orphanet 79282, MedGen C1848561, MONDO:0010184, OMIM 277400.

Submission:

Myriad Genetics, Inc.
Classification: Likely pathogenic for Cobalamin C disease. Last evaluated: 2022-05-18. Review status: criteria provided, single submitter. Criteria: Myriad Women's Health Autosomal Recessive and X-Linked Classification Criteria (2021). Collection method: clinical testing. Allele origin: unknown.
Comment: NM_015506.2(MMACHC):c.143_146delTGGC(L48Pfs*27) is expected to be pathogenic in the context of methylmalonic aciduria and homocystinuria, cblC type. This variant is predicted to lead to an abnormal or absent protein product due to the creation of a premature termination codon in MMACHC, a gene where loss-of-function variants are known to be pathogenic. Please note: this variant was assessed in the context of healthy population screening.

NM_015506.3(MMACHC):c.143_146del (p.Leu48fs)

Gene: MMACHC (metabolism of cobalamin associated C; plus strand). Cytogenetic location: 1p34.1.
Variant type: Deletion.
Coding change: c.143_146del on transcript NM_015506.3 (MANE Select); coding-DNA positions 143 to 146, 4 bases deleted (TGGC; older notation c.143_146delTGGC).
Protein change: p.Leu48fs; shifts the reading frame from leucine 48.
Molecular consequence: frameshift variant. On other transcripts: 5 prime UTR variant (1).
Genome position (GRCh38, 1-based): chr1:45,507,417-45,507,420, TGGC deleted; deleting any 4 consecutive bases within chr1:45,507,416-45,507,420 gives the same sequence; the c. name uses the placement nearest the transcript's 3' end. VCF-style (leftmost placement, unchanged base first): chr1-45507415-CCTGG-C. GRCh37 (hg19) VCF-style: chr1-45973087-CCTGG-C.
Other names: c.-29_-26del (NM_001330540.2); short protein forms L48fs.
Identifiers: ClinVar variation 1726156 (VCV001726156.2), dbSNP rs2522820086, ClinGen allele CA2580062904.